The following is an entry in ClinVar:

NM_019032.6(ADAMTSL4):c.911C>T (p.Ser304Leu)

Genes: ADAMTSL4 (ADAMTS like 4; plus strand), ADAMTSL4-AS2 (ADAMTSL4 antisense RNA 2; minus strand). Cytogenetic location: 1q21.2.
Variant type: single nucleotide variant.
Coding change: c.911C>T on transcript NM_019032.6 (MANE Select); coding-DNA position 911, C replaced by T.
Protein change: p.Ser304Leu; replaces serine 304 with leucine.
Molecular consequence: missense variant.
Genome position (GRCh38, 1-based): chr1:150,553,902, C>T. VCF-style: chr1-150553902-C-T. GRCh37 (hg19) VCF-style: chr1-150526378-C-T.
Other names: c.911C>T, p.Ser304Leu (NM_001288607.2, NM_001288608.2, NM_001378596.1 and 1 more transcripts); short protein forms S304L.
Identifiers: ClinVar variation 2414998 (VCV002414998.4), dbSNP rs773510504, ClinGen allele CA1078066.

ClinVar aggregate classification (germline): Uncertain significance (1 of 4 stars; one submission).

Allele frequency attached by ClinVar (database versions not stated): TOPMed below 0.00001; gnomAD exomes 0.00001; gnomAD 0.00002; ExAC 0.00005.
gnomAD v4.1: 19 of 1,612,850 alleles (0.0012%); highest among the groups gnomAD compares: Middle Eastern, 0.016%; no homozygotes.

Submission:

Labcorp Genetics (formerly Invitae), Labcorp
Classification: Uncertain significance. Last evaluated: 2022-10-04. Review status: criteria provided, single submitter. Criteria: Invitae Variant Classification Sherloc (09022015). Collection method: clinical testing. Allele origin: germline.
Comment: This sequence change replaces serine, which is neutral and polar, with leucine, which is neutral and non-polar, at codon 304 of the ADAMTSL4 protein (p.Ser304Leu). This variant is present in population databases (rs773510504, gnomAD 0.02%). This variant has not been reported in the literature in individuals affected with ADAMTSL4-related conditions. Advanced modeling of protein sequence and biophysical properties (such as structural, functional, and spatial information, amino acid conservation, physicochemical variation, residue mobility, and thermodynamic stability) performed at Invitae indicates that this missense variant is not expected to disrupt ADAMTSL4 protein function. In summary, the available evidence is currently insufficient to determine the role of this variant in disease. Therefore, it has been classified as a Variant of Uncertain Significance.